The following is an entry in ClinVar:

ClinVar aggregate classification (germline): Uncertain significance. Review status: criteria provided, multiple submitters, no conflicts (2 of 4 stars). 2 submissions from 2 submitters: Uncertain significance (2). Last evaluated 2024-12-06.

Conditions:
ROR1-related disorder. Also called: ROR1-related condition.

Allele frequency attached by ClinVar (database versions not stated): gnomAD 0.00004; TOPMed 0.00008; ESP Exome Variant Server 0.00023.
gnomAD v4.1: 32 of 1,614,016 alleles (0.002%); highest among the groups gnomAD compares: African/African-American, 0.015%; 1 homozygote.

Submissions (2):

PreventionGenetics, part of Exact Sciences
Classification: Uncertain significance for ROR1-related condition. Last evaluated: 2024-12-06. Review status: criteria provided, single submitter. Criteria: ACMG Guidelines, 2015. Collection method: clinical testing. Allele origin: germline.
Comment: The ROR1 c.973G>A variant is predicted to result in the amino acid substitution p.Val325Ile. To our knowledge, this variant has not been reported in the literature or in a large population database (gnomAD), indicating this variant is rare. At this time, the clinical significance of this variant is uncertain due to the absence of conclusive functional and genetic evidence.

Ambry Genetics
Classification: Uncertain significance. Last evaluated: 2024-08-19. Review status: criteria provided, single submitter. Criteria: Ambry Variant Classification Scheme 2023. Collection method: clinical testing. Allele origin: germline.

NM_005012.4(ROR1):c.973G>A (p.Val325Ile)

Gene: ROR1 (ROR family WNT receptor 1; plus strand). Cytogenetic location: 1p31.3.
Variant type: single nucleotide variant.
Coding change: c.973G>A on transcript NM_005012.4 (MANE Select); coding-DNA position 973, G replaced by A.
Protein change: p.Val325Ile; replaces valine 325 with isoleucine.
Molecular consequence: missense variant.
Genome position (GRCh38, 1-based): chr1:64,142,449, G>A. VCF-style: chr1-64142449-G-A. GRCh37 (hg19) VCF-style: chr1-64608132-G-A.
Other names: c.973G>A (NM_005012.3); c.973G>A, p.Val325Ile (NM_001083592.2); short protein forms V325I.
Identifiers: ClinVar variation 2392706 (VCV002392706.4), dbSNP rs150545478, ClinGen allele CA890191.